The following is an entry in ClinVar:

NM_001387430.1(SH2B1):c.1898-223C>T

Gene: SH2B1 (SH2B adaptor protein 1; plus strand). Cytogenetic location: 16p11.2.
Variant type: single nucleotide variant.
Coding change: c.1898-223C>T on transcript NM_001387430.1 (MANE Select); 223 bases into the intron before coding-DNA position 1898, C replaced by T.
Molecular consequence: intron variant. On other transcripts: missense variant (5).
Genome position (GRCh38, 1-based): chr16:28,873,224, C>T. VCF-style: chr16-28873224-C-T. GRCh37 (hg19) VCF-style: chr16-28884545-C-T.
Other names: c.1952C>T, p.Pro651Leu (NM_001145796.2, NM_001145812.2, NM_015503.3); c.2005C>T, p.Pro669Ser (NM_001145797.2); c.944C>T, p.Pro315Leu (NM_001308294.2); c.1898-223C>T (NM_001308293.2, NM_001387404.1, NM_001145795.2); short protein forms P315L, P651L, P669S.
Identifiers: ClinVar variation 3345065 (VCV003345065.1).
Genomic context (GRCh38, chr16:28,873,224, plus strand): 5'-CCCCAGGCCGGGAGCAGGCTGGGAGCCATGCGGGGGTGTGCGAGGGAGATGGATGCCACC[C>T]CGATGCCTCCTGCACCCTCATGCCCTTCGGAGCGAGTGACTGTGTGTAAGTGTGGTCCTC-3'

ClinVar aggregate classification (germline): Uncertain significance (0 of 4 stars; one submission).

Conditions:
SH2B1-related disorder. Also called: SH2B1-related condition.

gnomAD v4.1: 61 of 1,605,068 alleles (0.0038%); highest among the groups gnomAD compares: Non-Finnish European, 0.0049%; no homozygotes.

Submission:

PreventionGenetics, part of Exact Sciences
Classification: Uncertain significance for SH2B1-related condition. Last evaluated: 2024-03-27. Review status: no assertion criteria provided. Collection method: clinical testing. Allele origin: germline.
Comment: The SH2B1 c.1952C>T variant is predicted to result in the amino acid substitution p.Pro651Leu. To our knowledge, this variant has not been reported in the literature. This variant is reported in 0.0040% of alleles in individuals of European (Non-Finnish) descent in gnomAD. At this time, the clinical significance of this variant is uncertain due to the absence of conclusive functional and genetic evidence.